The following is an entry in ClinVar:

NM_000455.5(STK11):c.1274G>C (p.Arg425Pro)

Gene: STK11 (serine/threonine kinase 11; plus strand). Cytogenetic location: 19p13.3.
Variant type: single nucleotide variant.
Coding change: c.1274G>C on transcript NM_000455.5 (MANE Select); coding-DNA position 1274, G replaced by C.
Protein change: p.Arg425Pro; replaces arginine 425 with proline.
Molecular consequence: missense variant.
Genome position (GRCh38, 1-based): chr19:1,226,619, G>C. VCF-style: chr19-1226619-G-C. GRCh37 (hg19) VCF-style: chr19-1226618-G-C.
Other names: short protein forms R425P.
Identifiers: ClinVar variation 403784 (VCV000403784.13), dbSNP rs730881992, ClinGen allele CA16616045.
Genomic context (GRCh38, chr19:1,226,619, plus strand): 5'-GGGCGGAGGGCCGGGCCCCCAACCCTGCCCGCAAGGCCTGCTCCGCCAGCAGCAAGATCC[G>C]CCGGCTGTCGGCCTGCAAGCAGCAGTGAGGCTGGCCGCCTGCAGGTGGGGCGCGGCGGGG-3'
Protein context (NP_000446.1, residues 415-433): RKACSASSKI[Arg425Pro]RLSACKQQ

ClinVar aggregate classification (germline): Uncertain significance. Review status: criteria provided, multiple submitters, no conflicts (2 of 4 stars). 4 submissions from 4 submitters: Uncertain significance (4). Last evaluated 2024-07-26.

Conditions:
Hereditary cancer-predisposing syndrome. Also called: Tumor predisposition; Neoplastic Syndromes, Hereditary; Hereditary Cancer Syndrome; Hereditary neoplastic syndrome. Identifiers: Orphanet 140162, MedGen C0027672, MeSH D009386, MONDO:0015356.
Melanoma, cutaneous malignant, susceptibility to, 1 (CMM1). Also called: B-K MOLE SYNDROME; DYSPLASTIC NEVUS SYNDROME, HEREDITARY; FAMILIAL ATYPICAL MOLE-MALIGNANT MELANOMA SYNDROME; MELANOMA, MALIGNANT. Identifiers: Orphanet 618, MedGen C1835047, MONDO:0007963, OMIM 155600.
Peutz-Jeghers syndrome (PJS). Also called: Peutz-Jeghers polyposis; Periorificial lentiginosis syndrome; POLYPOSIS, HAMARTOMATOUS INTESTINAL; POLYPS-AND-SPOTS SYNDROME. Identifiers: Orphanet 2869, MedGen C0031269, MeSH D010580, MONDO:0008280, OMIM 175200.

gnomAD v4.1: 1 of 1,548,296 alleles (0.000065%); highest among the groups gnomAD compares: Non-Finnish European, 0.000087%; no homozygotes.

Submissions (4):

Labcorp Genetics (formerly Invitae), Labcorp
Classification: Uncertain significance for Peutz-Jeghers syndrome. Last evaluated: 2024-07-26. Review status: criteria provided, single submitter. Criteria: Invitae Variant Classification Sherloc (09022015). Collection method: clinical testing. Allele origin: germline.
Comment: This sequence change replaces arginine, which is basic and polar, with proline, which is neutral and non-polar, at codon 425 of the STK11 protein (p.Arg425Pro). This variant is not present in population databases (gnomAD no frequency). This variant has not been reported in the literature in individuals affected with STK11-related conditions. ClinVar contains an entry for this variant (Variation ID: 403784). Advanced modeling of protein sequence and biophysical properties (such as structural, functional, and spatial information, amino acid conservation, physicochemical variation, residue mobility, and thermodynamic stability) performed at Invitae indicates that this missense variant is not expected to disrupt STK11 protein function with a negative predictive value of 95%. In summary, the available evidence is currently insufficient to determine the role of this variant in disease. Therefore, it has been classified as a Variant of Uncertain Significance.

Baylor Genetics
Classification: Uncertain significance for Melanoma, cutaneous malignant, susceptibility to, 1. Last evaluated: 2024-03-01. Review status: criteria provided, single submitter. Criteria: ACMG Guidelines, 2015. Collection method: clinical testing. Allele origin: unknown.

Quest Diagnostics Nichols Institute San Juan Capistrano
Classification: Uncertain significance. Last evaluated: 2023-01-11. Review status: criteria provided, single submitter. Criteria: Quest Diagnostics criteria. Collection method: clinical testing. Allele origin: unknown.
Comment: The variant has not been reported in the published literature. It also has not been reported in large, multi-ethnic general populations. Analysis of this variant using bioinformatics tools for the prediction of the effect of amino acid changes on protein structure and function yielded predictions that this variant is damaging. Based on the available information, we are unable to determine the clinical significance of this variant.

Ambry Genetics
Classification: Uncertain significance for Hereditary cancer-predisposing syndrome. Last evaluated: 2022-08-05. Review status: criteria provided, single submitter. Criteria: Ambry Variant Classification Scheme 2023. Collection method: clinical testing. Allele origin: germline.
Comment: The p.R425P variant (also known as c.1274G>C), located in coding exon 9 of the STK11 gene, results from a G to C substitution at nucleotide position 1274. The arginine at codon 425 is replaced by proline, an amino acid with dissimilar properties. This amino acid position is highly conserved in available vertebrate species. In addition, the in silico prediction for this alteration is inconclusive. Since supporting evidence is limited at this time, the clinical significance of this alteration remains unclear.